The following is an entry in ClinVar:

ClinVar aggregate classification (germline): Pathogenic/Likely pathogenic. Review status: criteria provided, multiple submitters, no conflicts (2 of 4 stars). 2 submissions from 2 submitters: Pathogenic (1); Likely pathogenic (1). Last evaluated 2023-01-18.

Conditions:
Autosomal recessive nonsyndromic hearing loss 3. Also called: NEUROSENSORY NONSYNDROMIC RECESSIVE DEAFNESS 3. Identifiers: Orphanet 90636, MedGen C1838263, MONDO:0010860, OMIM 600316.

Submissions (2):

Labcorp Genetics (formerly Invitae), Labcorp
Classification: Pathogenic. Last evaluated: 2023-01-18. Review status: criteria provided, single submitter. Criteria: Invitae Variant Classification Sherloc (09022015). Collection method: clinical testing. Allele origin: germline.
Comment: This sequence change creates a premature translational stop signal (p.Trp2931Glyfs*103) in the MYO15A gene. It is expected to result in an absent or disrupted protein product. Loss-of-function variants in MYO15A are known to be pathogenic (PMID: 17546645). This variant is not present in population databases (gnomAD no frequency). This premature translational stop signal has been observed in individual(s) with deafness (PMID: 23767834, 33597575, 34416374, 35346193). ClinVar contains an entry for this variant (Variation ID: 1301970). For these reasons, this variant has been classified as Pathogenic.

Molecular Diagnosis Center for Deafness
Classification: Likely pathogenic for Autosomal recessive nonsyndromic hearing loss 3. Review status: criteria provided, single submitter. Criteria: ClinGen HL ACMG Specifications v1. Collection method: clinical testing. Allele origin: maternal. Observed: 1 variant allele.

Literature cited by the submitters: PubMed 17546645 (cited by Labcorp Genetics (formerly Invitae), Labcorp); PubMed 23767834 (cited by Labcorp Genetics (formerly Invitae), Labcorp); PubMed 33597575 (cited by Labcorp Genetics (formerly Invitae), Labcorp); PubMed 34416374 (cited by Labcorp Genetics (formerly Invitae), Labcorp); PubMed 35346193 (cited by Labcorp Genetics (formerly Invitae), Labcorp).

NM_016239.4(MYO15A):c.8791del (p.Trp2931fs)

Gene: MYO15A (myosin XVA; plus strand). Cytogenetic location: 17p11.2.
Variant type: Deletion.
Coding change: c.8791del on transcript NM_016239.4 (MANE Select); coding-DNA position 8791, one base deleted (T; older notation c.8791delT).
Protein change: p.Trp2931fs; shifts the reading frame from tryptophan 2931.
Molecular consequence: frameshift variant.
Genome position (GRCh38, 1-based): chr17:18,157,724, T deleted. VCF-style (leftmost placement, unchanged base first): chr17-18157723-CT-C. GRCh37 (hg19) VCF-style: chr17-18061037-CT-C.
Other names: c.8791delT (NM_016239.4); short protein forms W2931fs.
Identifiers: ClinVar variation 1301970 (VCV001301970.4), dbSNP rs2142388348, ClinGen allele CA2573153199.